The following is an entry in ClinVar:

NM_174936.4(PCSK9):c.869C>T (p.Ala290Val)

Gene: PCSK9 (proprotein convertase subtilisin/kexin type 9; plus strand). Cytogenetic location: 1p32.3.
Variant type: single nucleotide variant.
Coding change: c.869C>T on transcript NM_174936.4 (MANE Select); coding-DNA position 869, C replaced by T.
Protein change: p.Ala290Val; replaces alanine 290 with valine.
Molecular consequence: missense variant. On other transcripts: non-coding transcript variant (8).
Genome position (GRCh38, 1-based): chr1:55,056,062, C>T. VCF-style: chr1-55056062-C-T. GRCh37 (hg19) VCF-style: chr1-55521735-C-T.
Other names: c.992C>T, p.Ala331Val (NM_001407240.1); c.869C>T, p.Ala290Val (NM_001407241.1, NM_001407244.1, NM_001407247.1); c.872C>T, p.Ala291Val (NM_001407242.1); c.812C>T, p.Ala271Val (NM_001407243.1); c.677C>T, p.Ala226Val (NM_001407245.1); c.494C>T, p.Ala165Val (NM_001407246.1); short protein forms A165V, A290V, A291V, A271V, A331V, A226V.
Identifiers: ClinVar variation 4614712 (VCV004614712.1).
Genomic context (GRCh38, chr1:55,056,062, plus strand): 5'-TTATTCGGAAAAGCCAGCTGGTCCAGCCTGTGGGGCCACTGGTGGTGCTGCTGCCCCTGG[C>T]GGGTGGGTACAGCCGCGTCCTCAACGCCGCCTGCCAGCGCCTGGCGAGGGCTGGGGTCGT-3'
Protein context (NP_777596.2, residues 280-300): VGPLVVLLPL[Ala290Val]GGYSRVLNAA

ClinVar aggregate classification (germline): Uncertain significance (1 of 4 stars; one submission).

Conditions:
Cardiovascular phenotype. Identifiers: MedGen CN230736.

gnomAD v4.1: 1 of 1,605,948 alleles (0.000062%); highest among the groups gnomAD compares: Non-Finnish European, 0.000085%; no homozygotes.

Submission:

Ambry Genetics
Classification: Uncertain significance for Cardiovascular phenotype. Last evaluated: 2025-10-01. Review status: criteria provided, single submitter. Criteria: Ambry Variant Classification Scheme 2023. Collection method: clinical testing. Allele origin: germline.
Comment: The p.A290V variant (also known as c.869C>T), located in coding exon 6 of the PCSK9 gene, results from a C to T substitution at nucleotide position 869. The alanine at codon 290 is replaced by valine, an amino acid with similar properties. This amino acid position is conserved. In addition, this alteration is predicted to be tolerated by in silico analysis. Based on the available evidence, the clinical significance of this variant remains unclear.